The following is an entry in ClinVar:

ClinVar aggregate classification (germline): Likely benign. Review status: criteria provided, multiple submitters, no conflicts (2 of 4 stars). 2 submissions from 2 submitters: Likely benign (2). Last evaluated 2018-06-19.

Allele frequency attached by ClinVar (database versions not stated): 1000 Genomes Project 30x 0.00344; 1000 Genomes Project 0.00399; TOPMed 0.01091; gnomAD 0.01514.
gnomAD v4.1: 1,879 of 152,226 alleles (1.2%); highest among the groups gnomAD compares: Non-Finnish European, 1.7%; 13 homozygotes.

Submissions (2):

GeneDx
Classification: Likely benign. Last evaluated: 2018-06-19. Review status: criteria provided, single submitter. Criteria: GeneDx Variant Classification (06012015). Collection method: clinical testing. Allele origin: germline. Affected: yes.
Comment: This variant is considered likely benign or benign based on one or more of the following criteria: it is a conservative change, it occurs at a poorly conserved position in the protein, it is predicted to be benign by multiple in silico algorithms, and/or has population frequency not consistent with disease.

Breakthrough Genomics
Classification: Likely benign. Review status: criteria provided, single submitter. Criteria: ACMG Guidelines, 2015. Collection method: not provided. Allele origin: germline. Inheritance: Autosomal recessive inheritance. Affected: yes.

NM_000257.4(MYH7):c.5791-162A>C

Gene: MYH7 (myosin heavy chain 7; minus strand). Cytogenetic location: 14q11.2.
Variant type: single nucleotide variant.
Coding change: c.5791-162A>C on transcript NM_000257.4 (MANE Select); 162 bases into the intron before coding-DNA position 5791, A replaced by C.
Molecular consequence: intron variant.
Genome position (GRCh38, 1-based): chr14:23,413,033, T>G on the plus strand (A>C on the coding strand, the complement: MYH7 is on the minus strand). VCF-style: chr14-23413033-T-G. GRCh37 (hg19) VCF-style: chr14-23882242-T-G.
Identifiers: ClinVar variation 674655 (VCV000674655.2), dbSNP rs2754150, ClinGen allele CA257805795.